The following is an entry in ClinVar:

ClinVar aggregate classification (germline): Conflicting classifications of pathogenicity. Review status: criteria provided, conflicting classifications (1 of 4 stars). 3 submissions from 3 submitters: Uncertain significance (2); Likely benign (1). Last evaluated 2024-04-22.

Conditions:
Cornelia de Lange syndrome 1 (CDLS1). Also called: TYPUS DEGENERATIVUS AMSTELODAMENSIS; Brachmann de Lange syndrome; NIPBL-Related Cornelia de Lange Syndrome. Identifiers: Orphanet 199, MedGen C4551851, MONDO:0007387, OMIM 122470.

Allele frequency attached by ClinVar (database versions not stated): gnomAD exomes 0.00001; gnomAD 0.00007; TOPMed 0.00008.
gnomAD v4.1: 14 of 1,613,726 alleles (0.00087%); highest among the groups gnomAD compares: Admixed American, 0.01%; no homozygotes.

Submissions (3):

Fulgent Genetics
Classification: Uncertain significance for Cornelia de Lange syndrome 1. Last evaluated: 2024-04-22. Review status: criteria provided, single submitter. Criteria: ACMG Guidelines, 2015. Collection method: clinical testing. Allele origin: germline.

Labcorp Genetics (formerly Invitae), Labcorp
Classification: Uncertain significance for Cornelia de Lange syndrome 1. Last evaluated: 2024-01-08. Review status: criteria provided, single submitter. Criteria: Invitae Variant Classification Sherloc (09022015). Collection method: clinical testing. Allele origin: germline.
Comment: This sequence change replaces isoleucine, which is neutral and non-polar, with valine, which is neutral and non-polar, at codon 570 of the NIPBL protein (p.Ile570Val). This variant is present in population databases (no rsID available, gnomAD 0.004%). This variant has not been reported in the literature in individuals affected with NIPBL-related conditions. ClinVar contains an entry for this variant (Variation ID: 2037165). Advanced modeling of protein sequence and biophysical properties (such as structural, functional, and spatial information, amino acid conservation, physicochemical variation, residue mobility, and thermodynamic stability) performed at Invitae indicates that this missense variant is not expected to disrupt NIPBL protein function with a negative predictive value of 95%. In summary, the available evidence is currently insufficient to determine the role of this variant in disease. Therefore, it has been classified as a Variant of Uncertain Significance.

Blueprint Genetics
Classification: Likely benign. Last evaluated: 2020-10-16. Review status: criteria provided, single submitter. Criteria: ACMG Guidelines, 2015. Collection method: clinical testing. Allele origin: germline.

NM_133433.4(NIPBL):c.1708A>G (p.Ile570Val)

Gene: NIPBL (NIPBL cohesin loading factor; plus strand). Cytogenetic location: 5p13.2.
Variant type: single nucleotide variant.
Coding change: c.1708A>G on transcript NM_133433.4 (MANE Select); coding-DNA position 1708, A replaced by G.
Protein change: p.Ile570Val; replaces isoleucine 570 with valine.
Molecular consequence: missense variant.
Genome position (GRCh38, 1-based): chr5:36,984,888, A>G. VCF-style: chr5-36984888-A-G. GRCh37 (hg19) VCF-style: chr5-36984990-A-G.
Other names: c.1708A>G, p.Ile570Val (NM_015384.5); short protein forms I570V.
Identifiers: ClinVar variation 2037165 (VCV002037165.6), dbSNP rs999526286, ClinGen allele CA117043517.